The following is an entry in ClinVar:

NM_015335.5(MED13L):c.6457G>A (p.Val2153Ile)

Gene: MED13L (mediator complex subunit 13L; minus strand). Cytogenetic location: 12q24.21.
Variant type: single nucleotide variant.
Coding change: c.6457G>A on transcript NM_015335.5 (MANE Select); coding-DNA position 6457, G replaced by A.
Protein change: p.Val2153Ile; replaces valine 2153 with isoleucine.
Molecular consequence: missense variant.
Genome position (GRCh38, 1-based): chr12:115,963,450, C>T on the plus strand (G>A on the coding strand, the complement: MED13L is on the minus strand). VCF-style: chr12-115963450-C-T. GRCh37 (hg19) VCF-style: chr12-116401255-C-T.
Other names: short protein forms V2153I.
Identifiers: ClinVar variation 4534073 (VCV004534073.6).
Genomic context (GRCh38, chr12:115,963,450, plus strand): 5'-CCTAGGTTGGTATCTACCTTAAAACATCCGACGTGGTTTTGGAGTCAAGAGGGTGTGGAA[C>T]CCGCTGAGAATTCCTGGCAGGCAGAAGTTCGTCTGTCTGTGCTACTGAAATGTGGTGATG-3'
Protein context (NP_056150.1, residues 2143-2163): ELLPARNSQR[Val2153Ile]PHPLDSKTTS

ClinVar aggregate classification (germline): Uncertain significance (1 of 4 stars; one submission).

gnomAD v4.1: 4 of 1,614,110 alleles (0.00025%); highest among the groups gnomAD compares: African/African-American, 0.0013%; no homozygotes.

Submission:

CeGaT Center for Human Genetics Tuebingen
Classification: Uncertain significance. Last evaluated: 2026-03-01. Review status: criteria provided, single submitter. Criteria: CeGaT Center For Human Genetics Tuebingen Variant Classification Criteria Version 2. Collection method: clinical testing. Allele origin: germline. Affected: yes. Observed: 2 variant alleles.
Comment: MED13L: PM2, PP2, BP4